The following is an entry in ClinVar:

ClinVar aggregate classification (germline): Uncertain significance. Review status: criteria provided, multiple submitters, no conflicts (2 of 4 stars). 2 submissions from 2 submitters: Uncertain significance (2). Last evaluated 2024-10-02.

Conditions:
Familial cancer of breast. Also called: hereditary breast carcinoma; BREAST CANCER, FAMILIAL; Hereditary breast cancer. Identifiers: Orphanet 227535, MedGen C0346153, MONDO:0016419, OMIM 114480. Disease mechanism: loss of function.
Hereditary cancer-predisposing syndrome. Also called: Hereditary neoplastic syndrome; Neoplastic Syndromes, Hereditary; Tumor predisposition; Hereditary Cancer Syndrome. Identifiers: Orphanet 140162, MedGen C0027672, MeSH D009386, MONDO:0015356.

Allele frequency attached by ClinVar (database versions not stated): gnomAD exomes below 0.00001.
gnomAD v4.1: 1 of 1,614,100 alleles (0.000062%); highest among the groups gnomAD compares: Admixed American, 0.0017%; no homozygotes.

Submissions (2):

Labcorp Genetics (formerly Invitae), Labcorp
Classification: Uncertain significance for Familial cancer of breast. Last evaluated: 2024-10-02. Review status: criteria provided, single submitter. Criteria: Invitae Variant Classification Sherloc (09022015). Collection method: clinical testing. Allele origin: germline.
Comment: This sequence change replaces glycine, which is neutral and non-polar, with valine, which is neutral and non-polar, at codon 269 of the PALB2 protein (p.Gly269Val). This variant is present in population databases (no rsID available, gnomAD 0.003%). This variant has not been reported in the literature in individuals affected with PALB2-related conditions. ClinVar contains an entry for this variant (Variation ID: 942396). An algorithm developed to predict the effect of missense changes on protein structure and function outputs the following: PolyPhen-2: "Possibly Damaging". The valine amino acid residue is found in multiple mammalian species, which suggests that this missense change does not adversely affect protein function. In summary, the available evidence is currently insufficient to determine the role of this variant in disease. Therefore, it has been classified as a Variant of Uncertain Significance.

Ambry Genetics
Classification: Uncertain significance for Hereditary cancer-predisposing syndrome. Last evaluated: 2021-02-04. Review status: criteria provided, single submitter. Criteria: Ambry Variant Classification Scheme 2023. Collection method: clinical testing. Allele origin: germline.
Comment: The p.G269V variant (also known as c.806G>T), located in coding exon 4 of the PALB2 gene, results from a G to T substitution at nucleotide position 806. The glycine at codon 269 is replaced by valine, an amino acid with dissimilar properties. This amino acid position is not well conserved in available vertebrate species. In addition, this alteration is predicted to be tolerated by in silico analysis. Since supporting evidence is limited at this time, the clinical significance of this alteration remains unclear.

NM_024675.4(PALB2):c.806G>T (p.Gly269Val)

Gene: PALB2 (partner and localizer of BRCA2; minus strand). Cytogenetic location: 16p12.2.
Variant type: single nucleotide variant.
Coding change: c.806G>T on transcript NM_024675.4 (MANE Select); coding-DNA position 806, G replaced by T.
Protein change: p.Gly269Val; replaces glycine 269 with valine.
Molecular consequence: missense variant.
Genome position (GRCh38, 1-based): chr16:23,635,740, C>A on the plus strand (G>T on the coding strand, the complement: PALB2 is on the minus strand). VCF-style: chr16-23635740-C-A. GRCh37 (hg19) VCF-style: chr16-23647061-C-A.
Other names: short protein forms G269V.
Identifiers: ClinVar variation 942396 (VCV000942396.11), dbSNP rs1431508303, ClinGen allele CA395136002.
Genomic context (GRCh38, chr16:23,635,740, plus strand): 5'-AAACTTACAGGTGAAGTAAATCTAATGTTTTTTAGGTCGTGAGTAGTAAGTTCACTGCTA[C>A]CTTTAGGAGGAATGTGTTCAAGGTGCTGACTACTACCGCTATCTGATAGAGTCTGTAAAG-3'
Protein context (NP_078951.2, residues 259-279): SQHLEHIPPK[Gly269Val]SSELTTHDLK